The following is an entry in ClinVar:

ClinVar aggregate classification (germline): Uncertain significance (1 of 4 stars; one submission).

Conditions:
Cardiomyopathy, familial hypertrophic, 28. Identifiers: MedGen C5543616, MONDO:0030317, OMIM 619402.

Allele frequency attached by ClinVar (database versions not stated): gnomAD 0.00002 and 0.00003; TOPMed 0.00006.
gnomAD v4.1: 20 of 1,613,416 alleles (0.0012%); highest among the groups gnomAD compares: Admixed American, 0.015%; no homozygotes.

Submission:

Victorian Clinical Genetics Services, Murdoch Childrens Research Institute
Classification: Uncertain significance for Cardiomyopathy, familial hypertrophic, 28. Last evaluated: 2022-02-02. Review status: criteria provided, single submitter. Criteria: ACMG Guidelines, 2015. Collection method: clinical testing. Allele origin: germline. Inheritance: Autosomal dominant inheritance. Affected: yes.
Comment: Based on the classification scheme VCGS_Germline_v1.3.4, this variant is classified as VUS-3A. Following criteria are met: 0105 - The mechanism of disease for this gene is not clearly established. However, dominant negative has been suggested for a single missense variant (PMID: 24088304). (I) 0107 - This gene is associated with autosomal dominant disease. (I) 0112 - The condition associated with this gene has incomplete penetrance (PMID: 30442288). (I) 0200 - Variant is predicted to result in a missense amino acid change from arginine to tryptophan. (I) 0251 - This variant is heterozygous. (I) 0302 - Variant is present in gnomAD (v3) <0.001 for a dominant condition (5 heterozygotes, 0 homozygotes). (SP) 0309 - An alternative amino acid change at the same position has been observed in gnomAD (v2) (484 heterozygotes, 2 homozygotes). The p.(Arg637Gln) variant is a minor amino acid change and has been reported as likely benign in ClinVar. (I) 0501 - Missense variant consistently predicted to be damaging by multiple in silico tools or highly conserved with a major amino acid change. (SP) 0602 - Variant is located in a hotspot region or cluster of pathogenic variants, within the coiled-coil region (PMID: 30442288). (I) 0703 - Other missense variants comparable to the one identified in this case have moderate previous evidence for pathogenicity. Two comparable variants p.(Arg637Gly) and p.(Arg637Pro) have been reported in a total of four families with hypertrophic cardiomyopathy (HCM; PMID: 30442288). (SP) 0803 - This variant has limited previous evidence of pathogenicity in an unrelated individual. This variant has been reported in one individual with HCM (PMID: 30442288). (SP) 0905 - No published segregation evidence has been identified for this variant. (I) 1007 - No published functional evidence has been identified for this variant. (I) 1208 - Inheritance information for this variant is not currently available in this individual. (I) Legend: (SP) - Supporting pathogenic, (I) - Information, (SB) - Supporting benign

Literature cited by the submitters: PubMed 24088304; PubMed 30442288.

NM_001281740.3(FHOD3):c.1909C>T (p.Arg637Trp)

Gene: FHOD3 (formin homology 2 domain containing 3; plus strand). Cytogenetic location: 18q12.2.
Variant type: single nucleotide variant.
Coding change: c.1909C>T on transcript NM_001281740.3 (MANE Select); coding-DNA position 1909, C replaced by T.
Protein change: p.Arg637Trp; replaces arginine 637 with tryptophan.
Molecular consequence: missense variant.
Genome position (GRCh38, 1-based): chr18:36,681,509, C>T. VCF-style: chr18-36681509-C-T. GRCh37 (hg19) VCF-style: chr18-34261472-C-T.
Other names: c.1384C>T, p.Arg462Trp (NM_001281739.3, NM_025135.5); short protein forms R462W, R637W.
Identifiers: ClinVar variation 1699268 (VCV001699268.3), dbSNP rs758818742, ClinGen allele CA8941692.